The following is an entry in ClinVar:

NM_001291303.3(FAT4):c.4457G>A (p.Arg1486Gln)

Gene: FAT4 (FAT atypical cadherin 4; plus strand). Cytogenetic location: 4q28.1.
Variant type: single nucleotide variant.
Coding change: c.4457G>A on transcript NM_001291303.3 (MANE Select); coding-DNA position 4457, G replaced by A.
Protein change: p.Arg1486Gln; replaces arginine 1486 with glutamine.
Molecular consequence: missense variant.
Genome position (GRCh38, 1-based): chr4:125,320,868, G>A. VCF-style: chr4-125320868-G-A. GRCh37 (hg19) VCF-style: chr4-126242023-G-A.
Other names: c.4457G>A, p.Arg1486Gln (NM_001291285.3, NM_024582.6); c.4457G>A (NM_024582.4); short protein forms R1486Q.
Identifiers: ClinVar variation 2416047 (VCV002416047.5), dbSNP rs755867707, ClinGen allele CA3072468.

ClinVar aggregate classification (germline): Uncertain significance. Review status: criteria provided, multiple submitters, no conflicts (2 of 4 stars). 2 submissions from 2 submitters: Uncertain significance (2). Last evaluated 2025-04-07.

Conditions:
Inborn genetic diseases. Identifiers: MedGen C0950123, MeSH D030342.

Allele frequency attached by ClinVar (database versions not stated): ExAC 0.00001; gnomAD 0.00001; gnomAD exomes 0.00001; TOPMed 0.00002.
gnomAD v4.1: 20 of 1,614,030 alleles (0.0012%); highest among the groups gnomAD compares: East Asian, 0.0022%; no homozygotes.

Submissions (2):

Ambry Genetics
Classification: Uncertain significance for Inborn genetic diseases. Last evaluated: 2025-04-07. Review status: criteria provided, single submitter. Criteria: Ambry Variant Classification Scheme 2023. Collection method: clinical testing. Allele origin: germline.

Labcorp Genetics (formerly Invitae), Labcorp
Classification: Uncertain significance. Last evaluated: 2022-04-23. Review status: criteria provided, single submitter. Criteria: Invitae Variant Classification Sherloc (09022015). Collection method: clinical testing. Allele origin: germline.
Comment: This sequence change replaces arginine, which is basic and polar, with glutamine, which is neutral and polar, at codon 1486 of the FAT4 protein (p.Arg1486Gln). This variant is present in population databases (rs755867707, gnomAD 0.006%). This variant has not been reported in the literature in individuals affected with FAT4-related conditions. Algorithms developed to predict the effect of missense changes on protein structure and function (SIFT, PolyPhen-2, Align-GVGD) all suggest that this variant is likely to be disruptive. In summary, the available evidence is currently insufficient to determine the role of this variant in disease. Therefore, it has been classified as a Variant of Uncertain Significance.